The following is an entry in ClinVar:

ClinVar aggregate classification (germline): Uncertain significance (1 of 4 stars; one submission).

Submission:

Ambry Genetics
Classification: Uncertain significance. Last evaluated: 2022-03-16. Review status: criteria provided, single submitter. Criteria: Ambry Variant Classification Scheme 2023. Collection method: clinical testing. Allele origin: germline.
Comment: The p.P284Q variant (also known as c.851C>A), located in coding exon 6 of the RECQL gene, results from a C to A substitution at nucleotide position 851. The proline at codon 284 is replaced by glutamine, an amino acid with similar properties. This amino acid position is conserved. In addition, the in silico prediction for this alteration is inconclusive. Since supporting evidence is limited at this time, the clinical significance of this alteration remains unclear.

NM_002907.4(RECQL):c.851C>A (p.Pro284Gln)

Gene: RECQL (RecQ like helicase; minus strand). Cytogenetic location: 12p12.1.
Variant type: single nucleotide variant.
Coding change: c.851C>A on transcript NM_002907.4 (MANE Select); coding-DNA position 851, C replaced by A.
Protein change: p.Pro284Gln; replaces proline 284 with glutamine.
Molecular consequence: missense variant.
Genome position (GRCh38, 1-based): chr12:21,477,819, G>T on the plus strand (C>A on the coding strand, the complement: RECQL is on the minus strand). VCF-style: chr12-21477819-G-T. GRCh37 (hg19) VCF-style: chr12-21630753-G-T.
Other names: c.851C>A, p.Pro284Gln (NM_032941.3); short protein forms P284Q.
Identifiers: ClinVar variation 1763707 (VCV001763707.2), dbSNP rs2540355786, ClinGen allele CA384123984.